The following is an entry in ClinVar:

ClinVar aggregate classification (germline): Pathogenic (1 of 4 stars; one submission).

Allele frequency attached by ClinVar (database versions not stated): gnomAD exomes below 0.00001.
gnomAD v4.1: 1 of 1,614,168 alleles (0.000062%); highest among the groups gnomAD compares: Non-Finnish European, 0.000085%; no homozygotes.

Submission:

Labcorp Genetics (formerly Invitae), Labcorp
Classification: Pathogenic. Last evaluated: 2022-12-07. Review status: criteria provided, single submitter. Criteria: Invitae Variant Classification Sherloc (09022015). Collection method: clinical testing. Allele origin: germline.
Comment: Algorithms developed to predict the effect of sequence changes on RNA splicing suggest that this variant may disrupt the consensus splice site. ClinVar contains an entry for this variant (Variation ID: 1454085). This variant has not been reported in the literature in individuals affected with ADAMTS18-related conditions. This variant is not present in population databases (gnomAD no frequency). This sequence change creates a premature translational stop signal (p.Lys1082*) in the ADAMTS18 gene. It is expected to result in an absent or disrupted protein product. Loss-of-function variants in ADAMTS18 are known to be pathogenic (PMID: 23818446, 24874986). For these reasons, this variant has been classified as Pathogenic.

Literature cited by the submitters: PubMed 23818446; PubMed 24874986.

NM_199355.4(ADAMTS18):c.3244A>T (p.Lys1082Ter)

Gene: ADAMTS18 (ADAM metallopeptidase with thrombospondin type 1 motif 18; minus strand). Cytogenetic location: 16q23.1.
Variant type: single nucleotide variant.
Coding change: c.3244A>T on transcript NM_199355.4 (MANE Select); coding-DNA position 3244, A replaced by T.
Protein change: p.Lys1082Ter; replaces lysine 1082 with a stop codon.
Molecular consequence: nonsense.
Genome position (GRCh38, 1-based): chr16:77,291,424, T>A on the plus strand (A>T on the coding strand, the complement: ADAMTS18 is on the minus strand). VCF-style: chr16-77291424-T-A. GRCh37 (hg19) VCF-style: chr16-77325321-T-A.
Other names: c.2728A>T, p.Lys910Ter (NM_001326358.2); short protein forms K910*, K1082*.
Identifiers: ClinVar variation 1454085 (VCV001454085.6), dbSNP rs2144565433, ClinGen allele CA396832377.
Genomic context (GRCh38, chr16:77,291,424, plus strand): 5'-GTTTCTTAATATTACGGCATCTTCGCTCTGGGAAAGTTATCAGCTTTCCCTGGAAGCCCT[T>A]CTCGCTGCACTTCATCTCCCTCTTCCTCACACCCAAACCACAGGTTGCAGAACACTAGGA-3'